The following is an entry in ClinVar:

NM_007294.4(BRCA1):c.3315T>A (p.His1105Gln)

Genes: BRCA1 (BRCA1 DNA repair associated; minus strand), LOC126862571 (BRD4-independent group 4 enhancer GRCh37_chr17:41243136-41244335; plus strand). Cytogenetic location: 17q21.31.
Variant type: single nucleotide variant.
Coding change: c.3315T>A on transcript NM_007294.4 (MANE Select); coding-DNA position 3315, T replaced by A.
Protein change: p.His1105Gln; replaces histidine 1105 with glutamine.
Molecular consequence: missense variant. On other transcripts: intron variant (137).
Genome position (GRCh38, 1-based): chr17:43,092,216, A>T on the plus strand (T>A on the coding strand, the complement: BRCA1 is on the minus strand). VCF-style: chr17-43092216-A-T. GRCh37 (hg19) VCF-style: chr17-41244233-A-T.
Other names: c.3102T>A, p.His1034Gln (NM_001407894.1, NM_001407895.1, NM_001407571.1 and 9 more transcripts); c.3105T>A, p.His1035Gln (NM_001407887.1, NM_001407889.1, NM_001407886.1 and 13 more transcripts); c.3315T>A, p.His1105Gln (NM_001407581.1, NM_001407582.1, NM_001407583.1 and 30 more transcripts); c.3312T>A, p.His1104Gln (NM_001407587.1, NM_001407590.1, NM_001407591.1 and 22 more transcripts); c.3306T>A, p.His1102Gln (NM_001407646.1, NM_001407647.1); c.3192T>A, p.His1064Gln (NM_001407648.1, NM_001407664.1, NM_001407665.1 and 19 more transcripts); c.3189T>A, p.His1063Gln (NM_001407649.1, NM_001407670.1, NM_001407671.1 and 11 more transcripts); c.3237T>A, p.His1079Gln (NM_001407653.1, NM_001407654.1, NM_001407655.1 and 4 more transcripts); and 41 more; short protein forms H1058Q, H1105Q, H1016Q, H1017Q, H1034Q, H1037Q, H1104Q, H1063Q.
Identifiers: ClinVar variation 823569 (VCV000823569.8), dbSNP rs1597864422, ClinGen allele CA10595356.

ClinVar aggregate classification (germline): Conflicting classifications of pathogenicity. Review status: criteria provided, conflicting classifications (1 of 4 stars). 2 submissions from 2 submitters: Uncertain significance (1); Likely benign (1). Last evaluated 2025-02-15.

Conditions:
Hereditary cancer-predisposing syndrome. Also called: Neoplastic Syndromes, Hereditary; Tumor predisposition; Hereditary neoplastic syndrome; Hereditary Cancer Syndrome. Identifiers: Orphanet 140162, MedGen C0027672, MeSH D009386, MONDO:0015356.

Submissions (2):

Ambry Genetics
Classification: Uncertain significance for Hereditary cancer-predisposing syndrome. Last evaluated: 2025-02-15. Review status: criteria provided, single submitter. Criteria: Ambry Variant Classification Scheme 2023. Collection method: clinical testing. Allele origin: germline.
Comment: The p.H1105Q variant (also known as c.3315T>A), located in coding exon 9 of the BRCA1 gene, results from a T to A substitution at nucleotide position 3315. The histidine at codon 1105 is replaced by glutamine, an amino acid with highly similar properties. This amino acid position is not well conserved in available vertebrate species. In addition, this alteration is predicted to be tolerated by in silico analysis. Since supporting evidence is limited at this time, the clinical significance of this alteration remains unclear.

University of Washington Department of Laboratory Medicine, University of Washington
Classification: Likely benign for Hereditary cancer-predisposing syndrome. Last evaluated: 2023-03-23. Review status: criteria provided, single submitter. Criteria: Dines et al. (Genet Med. 2020). Collection method: curation. Allele origin: germline.
Comment: Missense variant in a coldspot region where missense variants are very unlikely to be pathogenic (PMID:31911673).

BRCA1 coldspot (exon 11 using historical exon numbering). Reclassification based on statistical prior probability